The following is an entry in ClinVar:

ClinVar aggregate classification (germline): Uncertain significance. Review status: criteria provided, multiple submitters, no conflicts (2 of 4 stars). 2 submissions from 2 submitters: Uncertain significance (2). Last evaluated 2024-09-08.

Conditions:
Inborn genetic diseases. Identifiers: MedGen C0950123, MeSH D030342.

gnomAD v4.1: 27 of 1,613,936 alleles (0.0017%); highest among the groups gnomAD compares: Admixed American, 0.042%; 1 homozygote.

Submissions (2):

Ambry Genetics
Classification: Uncertain significance for Inborn genetic diseases. Last evaluated: 2024-09-08. Review status: criteria provided, single submitter. Criteria: Ambry Variant Classification Scheme 2023. Collection method: clinical testing. Allele origin: germline.

Labcorp Genetics (formerly Invitae), Labcorp
Classification: Uncertain significance. Last evaluated: 2022-08-16. Review status: criteria provided, single submitter. Criteria: Invitae Variant Classification Sherloc (09022015). Collection method: clinical testing. Allele origin: germline.
Comment: This sequence change replaces arginine, which is basic and polar, with glycine, which is neutral and non-polar, at codon 52 of the GORAB protein (p.Arg52Gly). This variant is present in population databases (rs770355472, gnomAD 0.06%). This variant has not been reported in the literature in individuals affected with GORAB-related conditions. ClinVar contains an entry for this variant (Variation ID: 1503029). Algorithms developed to predict the effect of missense changes on protein structure and function are either unavailable or do not agree on the potential impact of this missense change (SIFT: "Deleterious"; PolyPhen-2: "Possibly Damaging"; Align-GVGD: "Class C0"). In summary, the available evidence is currently insufficient to determine the role of this variant in disease. Therefore, it has been classified as a Variant of Uncertain Significance.

NM_152281.3(GORAB):c.79C>G (p.Arg27Gly)

Gene: GORAB (golgin, RAB6 interacting; plus strand). Cytogenetic location: 1q24.2.
Variant type: single nucleotide variant.
Coding change: c.79C>G on transcript NM_152281.3 (MANE Select); coding-DNA position 79, C replaced by G.
Protein change: p.Arg27Gly; replaces arginine 27 with glycine.
Molecular consequence: missense variant. On other transcripts: 5 prime UTR variant (1), non-coding transcript variant (1).
Genome position (GRCh38, 1-based): chr1:170,539,227, C>G. VCF-style: chr1-170539227-C-G. GRCh37 (hg19) VCF-style: chr1-170508368-C-G.
Other names: c.79C>G, p.Arg27Gly (NM_001146039.2); c.-387C>G (NM_001320252.2); c.154C>G (NM_152281.2); short protein forms R27G.
Identifiers: ClinVar variation 1503029 (VCV001503029.4), dbSNP rs770355472, ClinGen allele CA1239033.